The following is an entry in ClinVar:

ClinVar aggregate classification (germline): Uncertain significance. Review status: criteria provided, multiple submitters, no conflicts (2 of 4 stars). 2 submissions from 2 submitters: Uncertain significance (2). Last evaluated 2025-12-15.

Conditions:
Inborn genetic diseases. Identifiers: MedGen C0950123, MeSH D030342.

Allele frequency attached by ClinVar (database versions not stated): ExAC 0.00002; TOPMed 0.00002.
gnomAD v4.1: 3 of 1,614,042 alleles (0.00019%); highest among the groups gnomAD compares: Admixed American, 0.005%; no homozygotes.

Submissions (2):

Labcorp Genetics (formerly Invitae), Labcorp
Classification: Uncertain significance. Last evaluated: 2025-12-15. Review status: criteria provided, single submitter. Criteria: Invitae Variant Classification Sherloc (09022015). Collection method: clinical testing. Allele origin: germline.
Comment: This sequence change replaces threonine, which is neutral and polar, with serine, which is neutral and polar, at codon 206 of the ABHD5 protein (p.Thr206Ser). This variant is present in population databases (rs777963152, gnomAD 0.009%). This variant has not been reported in the literature in individuals affected with ABHD5-related conditions. ClinVar contains an entry for this variant (Variation ID: 2081511). An algorithm developed to predict the effect of missense changes on protein structure and function (PolyPhen-2) suggests that this variant is likely to be tolerated. In summary, the available evidence is currently insufficient to determine the role of this variant in disease. Therefore, it has been classified as a Variant of Uncertain Significance.

Ambry Genetics
Classification: Uncertain significance for Inborn genetic diseases. Last evaluated: 2025-10-02. Review status: criteria provided, single submitter. Criteria: Ambry Variant Classification Scheme 2023. Collection method: clinical testing. Allele origin: germline.

NM_016006.6(ABHD5):c.616A>T (p.Thr206Ser)

Gene: ABHD5 (abhydrolase domain containing 5, lysophosphatidic acid acyltransferase; plus strand). Cytogenetic location: 3p21.33.
Variant type: single nucleotide variant.
Coding change: c.616A>T on transcript NM_016006.6 (MANE Select); coding-DNA position 616, A replaced by T.
Protein change: p.Thr206Ser; replaces threonine 206 with serine.
Molecular consequence: missense variant. On other transcripts: non-coding transcript variant (1).
Genome position (GRCh38, 1-based): chr3:43,711,818, A>T. VCF-style: chr3-43711818-A-T. GRCh37 (hg19) VCF-style: chr3-43753310-A-T.
Other names: c.616A>T, p.Thr206Ser (NM_001355186.2, NM_001365650.1); c.493A>T, p.Thr165Ser (NM_001365649.1); c.616A>T (NM_016006.4); short protein forms T165S, T206S.
Identifiers: ClinVar variation 2081511 (VCV002081511.3), dbSNP rs777963152, ClinGen allele CA2341385.